The following is an entry in ClinVar:

ClinVar aggregate classification (germline): Uncertain significance (1 of 4 stars; one submission).

Submission:

GeneDx
Classification: Uncertain significance. Last evaluated: 2023-12-24. Review status: criteria provided, single submitter. Criteria: GeneDx Variant Classification Process June 2021. Collection method: clinical testing. Allele origin: germline. Affected: yes.
Comment: Has not been previously published as pathogenic or benign to our knowledge; Not observed at significant frequency in large population cohorts (gnomAD; internal data); In silico analysis suggests this variant has a deleterious effect on splicing of a non-coding exon; in the absence of RNA/functional studies, the actual effect of this sequence change is unknown

NM_014140.4(SMARCAL1):c.-59+1G>T

Gene: SMARCAL1 (SNF2 related chromatin remodeling annealing helicase 1; plus strand). Cytogenetic location: 2q35.
Variant type: single nucleotide variant.
Coding change: c.-59+1G>T on transcript NM_014140.4 (MANE Select); the canonical splice donor site of the intron after 59 bases upstream of the start codon, G replaced by T.
Molecular consequence: splice donor variant.
Genome position (GRCh38, 1-based): chr2:216,413,893, G>T. VCF-style: chr2-216413893-G-T. GRCh37 (hg19) VCF-style: chr2-217278616-G-T.
Other names: c.-59+1G>T (NM_001127207.2).
Identifiers: ClinVar variation 3367274 (VCV003367274.1).